The following is an entry in ClinVar:

NM_001330360.2(POLA1):c.525+1G>A

Gene: POLA1 (DNA polymerase alpha 1, catalytic subunit; plus strand). Cytogenetic location: Xp22.11.
Variant type: single nucleotide variant.
Coding change: c.525+1G>A on transcript NM_001330360.2 (MANE Select); the canonical splice donor site of the intron after coding-DNA position 525, G replaced by A.
Molecular consequence: splice donor variant.
Genome position (GRCh38, 1-based): chrX:24,715,204, G>A. VCF-style: chrX-24715204-G-A. GRCh37 (hg19) VCF-style: chrX-24733321-G-A.
Other names: IVS6, G-A, +1; c.525+1G>A (NM_001378303.1); c.507+1G>A (NM_016937.4).
Identifiers: ClinVar variation 627634 (VCV000627634.5), dbSNP rs1569277899, ClinGen allele CA412527843.

ClinVar aggregate classification (germline): Pathogenic. Review status: no assertion criteria provided (0 of 4 stars). 2 submissions from 2 submitters: Pathogenic (2). Last evaluated 2025-11-06.

Conditions:
X-linked intellectual disability, van Esch type. Also called: MENTAL RETARDATION, X-LINKED, SYNDROMIC, VAN ESCH-O''DRISCOLL TYPE; Van Esch-O'Driscoll syndrome. Identifiers: Orphanet 163976, MedGen C4305072, MONDO:0015601, OMIM 301030.

Submissions (2):

OMIM
Classification: Pathogenic for VAN ESCH-O'DRISCOLL SYNDROME. Last evaluated: 2025-11-06. Review status: no assertion criteria provided. Collection method: literature only. Allele origin: germline.

Center for Human Genetics, University of Leuven
Classification: Pathogenic for X-linked intellectual disability, Van Esch type. Last evaluated: 2019-02-01. Review status: no assertion criteria provided. Collection method: research. Allele origin: inherited. Affected: yes. Observed: 2 variant alleles.
Comment: We performed segregation analysis, X-inactivation studies, Western blot and functional studies that support a clear pathogenic effect.

Literature cited by the submitters: PubMed 31006512 (cited by OMIM and Center for Human Genetics, University of Leuven).